The following is an entry in ClinVar:

NM_002485.5(NBN):c.242A>G (p.Glu81Gly)

Gene: NBN (nibrin; minus strand). Cytogenetic location: 8q21.3.
Variant type: single nucleotide variant.
Coding change: c.242A>G on transcript NM_002485.5 (MANE Select); coding-DNA position 242, A replaced by G.
Protein change: p.Glu81Gly; replaces glutamic acid 81 with glycine.
Molecular consequence: missense variant. On other transcripts: 5 prime UTR variant (1).
Genome position (GRCh38, 1-based): chr8:89,981,453, T>C on the plus strand (A>G on the coding strand, the complement: NBN is on the minus strand). VCF-style: chr8-89981453-T-C. GRCh37 (hg19) VCF-style: chr8-90993681-T-C.
Other names: c.-5A>G (NM_001024688.3); short protein forms E81G.
Identifiers: ClinVar variation 185324 (VCV000185324.12), dbSNP rs786202085, ClinGen allele CA191642.

ClinVar aggregate classification (germline): Uncertain significance. Review status: criteria provided, multiple submitters, no conflicts (2 of 4 stars). 2 submissions from 2 submitters: Uncertain significance (2). Last evaluated 2025-07-10.

Conditions:
Hereditary cancer-predisposing syndrome. Also called: Tumor predisposition; Hereditary Cancer Syndrome; Hereditary neoplastic syndrome; Neoplastic Syndromes, Hereditary. Identifiers: Orphanet 140162, MedGen C0027672, MeSH D009386, MONDO:0015356.
Microcephaly, normal intelligence and immunodeficiency (NBS). Also called: IMMUNODEFICIENCY, MICROCEPHALY, AND CHROMOSOMAL INSTABILITY; SEEMANOVA SYNDROME II; Nijmegen breakage syndrome; Microcephaly with normal intelligence immunodeficiency and lymphoreticular malignancies; Nonsyndromal microcephaly autosomal recessive with normal intelligence; Seemanova syndrome 2. Identifiers: Orphanet 647, MedGen C0398791, MONDO:0009623, OMIM 251260.

Submissions (2):

Ambry Genetics
Classification: Uncertain significance for Hereditary cancer-predisposing syndrome. Last evaluated: 2025-07-10. Review status: criteria provided, single submitter. Criteria: Ambry Variant Classification Scheme 2023. Collection method: clinical testing. Allele origin: germline.
Comment: The p.E81G variant (also known as c.242A>G), located in coding exon 3 of the NBN gene, results from an A to G substitution at nucleotide position 242. The glutamic acid at codon 81 is replaced by glycine, an amino acid with similar properties. This amino acid position is well conserved in available vertebrate species. In addition, the in silico prediction for this alteration is inconclusive. Since supporting evidence is limited at this time, the clinical significance of this alteration remains unclear.

Labcorp Genetics (formerly Invitae), Labcorp
Classification: Uncertain significance for Microcephaly, normal intelligence and immunodeficiency. Last evaluated: 2021-11-08. Review status: criteria provided, single submitter. Criteria: Invitae Variant Classification Sherloc (09022015). Collection method: clinical testing. Allele origin: germline.
Comment: Algorithms developed to predict the effect of missense changes on protein structure and function (SIFT, PolyPhen-2, Align-GVGD) all suggest that this variant is likely to be tolerated. ClinVar contains an entry for this variant (Variation ID: 185324). This variant has not been reported in the literature in individuals affected with NBN-related conditions. This variant is not present in population databases (gnomAD no frequency). This sequence change replaces glutamic acid, which is acidic and polar, with glycine, which is neutral and non-polar, at codon 81 of the NBN protein (p.Glu81Gly). In summary, the available evidence is currently insufficient to determine the role of this variant in disease. Therefore, it has been classified as a Variant of Uncertain Significance.